The following is an entry in ClinVar:

NM_000052.7(ATP7A):c.3081del (p.Gly1028fs)

Gene: ATP7A (ATPase copper transporting alpha; plus strand). Cytogenetic location: Xq21.1.
Variant type: Deletion.
Coding change: c.3081del on transcript NM_000052.7 (MANE Select); coding-DNA position 3081, one base deleted (A; older notation c.3081delA).
Protein change: p.Gly1028fs; shifts the reading frame from glycine 1028.
Molecular consequence: frameshift variant.
Genome position (GRCh38, 1-based): chrX:78,029,414, A deleted; the last of 4 consecutive A bases (chrX:78,029,411-78,029,414); deleting any one gives the same sequence. VCF-style (leftmost placement, unchanged base first): chrX-78029410-TA-T. GRCh37 (hg19) VCF-style: chrX-77284907-TA-T.
Other names: c.2847del, p.Gly950fs (NM_001282224.2); short protein forms G1028fs, G950fs.
Identifiers: ClinVar variation 1725295 (VCV001725295.3), dbSNP rs2522392674, ClinGen allele CA2580101978.

ClinVar aggregate classification (germline): Likely pathogenic (1 of 4 stars; one submission).

Conditions:
Menkes kinky-hair syndrome (MNK). Also called: Copper transport disease; Classic Menkes Disease; Menkes Disease. Identifiers: Orphanet 565, MedGen C0022716, MONDO:0010651, OMIM 309400.

Submission:

Myriad Genetics, Inc.
Classification: Likely pathogenic for Menkes kinky-hair syndrome. Last evaluated: 2022-03-15. Review status: criteria provided, single submitter. Criteria: Myriad Autosomal Dominant, Autosomal Recessive and X-Linked Classification Criteria (2023). Collection method: clinical testing. Allele origin: unknown.
Comment: NM_000052.5(ATP7A):c.3081delA(G1028Vfs*11) is expected to be pathogenic in the context of ATP7A-related disorders. This variant is predicted to lead to an abnormal or absent protein product due to the creation of a premature termination codon in ATP7A, a gene where loss-of-function variants are known to be pathogenic. Please note: this variant was assessed in the context of healthy population screening.